The following is an entry in ClinVar:

NM_001048174.2(MUTYH):c.1172C>A (p.Ala391Asp)

Gene: MUTYH (mutY DNA glycosylase; minus strand). Cytogenetic location: 1p34.1.
Variant type: single nucleotide variant.
Coding change: c.1172C>A on transcript NM_001048174.2 (MANE Select); coding-DNA position 1172, C replaced by A.
Protein change: p.Ala391Asp; replaces alanine 391 with aspartic acid.
Molecular consequence: missense variant. On other transcripts: non-coding transcript variant (2).
Genome position (GRCh38, 1-based): chr1:45,331,487, G>T on the plus strand (C>A on the coding strand, the complement: MUTYH is on the minus strand). VCF-style: chr1-45331487-G-T. GRCh37 (hg19) VCF-style: chr1-45797159-G-T.
Other names: c.1172C>A, p.Ala391Asp (NM_001048171.2, NM_001048173.2, NM_001293195.2); c.1175C>A, p.Ala392Asp (NM_001048172.2); c.1256C>A, p.Ala419Asp (NM_001128425.2); c.1217C>A, p.Ala406Asp (NM_001293190.2); c.1205C>A, p.Ala402Asp (NM_001293191.2); c.896C>A, p.Ala299Asp (NM_001293192.2, NM_001293196.2); c.827C>A, p.Ala276Asp (NM_001350650.2, NM_001350651.2); c.1247C>A, p.Ala416Asp (NM_012222.3); short protein forms A419D, A405D, A391D, A392D, A416D, A299D, A276D, A402D.
Identifiers: ClinVar variation 141858 (VCV000141858.34), dbSNP rs369299948, ClinGen allele CA012438.
Genomic context (GRCh38, chr1:45,331,487, plus strand): 5'-AGGTGCCGGAGGTGCGTGGCTGGGAGGGGCCCAGCCCAACGCTGTAGTTCCTGCAGCAGG[G>T]CCTTGCGCTGAAGCTGCTCTGAGGGCTCCCAGGTCACGGACGGGAACTCCCACAGTCCTG-3'
Protein context (NP_001041639.1, residues 381-401): WEPSEQLQRK[Ala391Asp]LLQELQRWAG

ClinVar aggregate classification (germline): Conflicting classifications of pathogenicity. Review status: criteria provided, conflicting classifications (1 of 4 stars). 12 submissions from 12 submitters: Uncertain significance (10); Likely benign (1). 1 of the submissions does not count toward it. Last evaluated 2026-01-19.

Conditions:
Hereditary cancer-predisposing syndrome. Also called: Tumor predisposition; Hereditary Cancer Syndrome; Neoplastic Syndromes, Hereditary; Hereditary neoplastic syndrome. Identifiers: Orphanet 140162, MedGen C0027672, MeSH D009386, MONDO:0015356.
Familial adenomatous polyposis 2. Also called: Adenomas, multiple colorectal; MUTYH-associated polyposis; MUTYH Polyposis; FAP type 2; COLORECTAL ADENOMATOUS POLYPOSIS, AUTOSOMAL RECESSIVE; ADENOMAS, MULTIPLE COLORECTAL, AUTOSOMAL RECESSIVE. Identifiers: Orphanet 220460, Orphanet 247798, MedGen C3272841, MONDO:0012041, OMIM 608456.

Allele frequency attached by ClinVar (database versions not stated): ExAC 0.00002; gnomAD exomes 0.00002; TOPMed 0.00004; ESP Exome Variant Server 0.00008.
gnomAD v4.1: 54 of 1,614,064 alleles (0.0033%); highest among the groups gnomAD compares: Non-Finnish European, 0.0041%; no homozygotes.

Submissions (12):

Labcorp Genetics (formerly Invitae), Labcorp
Classification: Uncertain significance for Familial adenomatous polyposis 2. Last evaluated: 2026-01-19. Review status: criteria provided, single submitter. Criteria: Invitae Variant Classification Sherloc (09022015). Collection method: clinical testing. Allele origin: germline.
Comment: This sequence change replaces alanine, which is neutral and non-polar, with aspartic acid, which is acidic and polar, at codon 419 of the MUTYH protein (p.Ala419Asp). This variant is present in population databases (rs369299948, gnomAD 0.005%). This missense change has been observed in individual(s) with several polyps (PMID: 28644590). ClinVar contains an entry for this variant (Variation ID: 141858). An algorithm developed to predict the effect of missense changes on protein structure and function (PolyPhen-2) suggests that this variant is likely to be tolerated. In summary, the available evidence is currently insufficient to determine the role of this variant in disease. Therefore, it has been classified as a Variant of Uncertain Significance.

Color Diagnostics, LLC DBA Color Health
Classification: Uncertain significance for Hereditary cancer-predisposing syndrome. Last evaluated: 2025-06-05. Review status: criteria provided, single submitter. Criteria: ACMG Guidelines, 2015. Collection method: clinical testing. Allele origin: germline.
Comment: This missense variant replaces alanine with aspartic acid at codon 419 of the MUTYH protein. This variant is also known as c.1214C>A (p.Ala405Lys) based on an alternative transcript (NM_001048171). Computational prediction is inconclusive regarding the impact of this variant on protein structure and function. To our knowledge, functional studies have not been reported for this variant. This variant has been reported in an individual affected with 12 colorectal polyps in the literature (PMID: 28644590). This variant has been identified in 8/282514 chromosomes in the general population by the Genome Aggregation Database (gnomAD). The available evidence is insufficient to determine the role of this variant in disease conclusively. Therefore, this variant is classified as a Variant of Uncertain Significance.

Quest Diagnostics Nichols Institute San Juan Capistrano
Classification: Uncertain significance. Last evaluated: 2024-09-21. Review status: criteria provided, single submitter. Criteria: Quest Diagnostics criteria. Collection method: clinical testing. Allele origin: unknown.
Comment: The MUTYH c.1256C>A (p.Ala419Asp) variant has been reported in the published literature in individuals with polyposis (PMID: 28644590 (2016)), and osteosarcoma (PMID: 26580448 (2015)). In a large scale breast cancer association study, this variant has been observed in 2 breast cancer cases and 4 reportedly healthy individuals (PMID: 33471991 (2021), see also LOVD). The frequency of this variant in the general population, 0.000047 (6/128978 chromosomes (Genome Aggregation Database)), is uninformative in the assessment of its pathogenicity. Analysis of this variant using bioinformatics tools for the prediction of the effect of amino acid changes on protein structure and function yielded predictions that this variant is benign. Based on the available information, we are unable to determine the clinical significance of this variant.

GeneDx
Classification: Uncertain significance. Last evaluated: 2024-05-16. Review status: criteria provided, single submitter. Criteria: GeneDx Variant Classification Process June 2021. Collection method: clinical testing. Allele origin: germline. Affected: yes.
Comment: Not observed at significant frequency in large population cohorts (gnomAD); In silico analysis supports that this missense variant has a deleterious effect on protein structure/function; Observed in individuals with colorectal polyps (PMID: 28644590); This variant is associated with the following publications: (PMID: 26580448, 33471991, 30267214, 23108399, 28644590)

Baylor Genetics
Classification: Uncertain significance for Familial adenomatous polyposis 2. Last evaluated: 2024-01-19. Review status: criteria provided, single submitter. Criteria: ACMG Guidelines, 2015. Collection method: clinical testing. Allele origin: unknown.

Women's Health and Genetics/Laboratory Corporation of America, LabCorp
Classification: Uncertain significance. Last evaluated: 2024-01-15. Review status: criteria provided, single submitter. Criteria: LabCorp Variant Classification Summary - May 2015. Collection method: clinical testing. Allele origin: germline.
Comment: Variant summary: MUTYH c.1256C>A (p.Ala419Asp) results in a non-conservative amino acid change located in the NUDIX hydrolase domain (IPR000086) of the encoded protein sequence. Four of five in-silico tools predict a benign effect of the variant on protein function. The variant allele was found at a frequency of 2.4e-05 in 251110 control chromosomes (gnomAD). The available data on variant occurrences in the general population are insufficient to allow any conclusion about variant significance. c.1256C>A has been reported in the literature in at least one individual with polyps (e.g., McVeigh_2016) and one pediatric case with osteosarcoma (e.g., Zhang_2015). These reports do not provide unequivocal conclusions about association of the variant with MUTYH-Associated Polyposis. To our knowledge, no experimental evidence demonstrating an impact on protein function has been reported. The following publications have been ascertained in the context of this evaluation (PMID: 28644590, 26580448). ClinVar contains an entry for this variant (Variation ID: 141858). Based on the evidence outlined above, the variant was classified as uncertain significance.

All of Us Research Program, National Institutes of Health
Classification: Uncertain significance for Familial adenomatous polyposis 2. Last evaluated: 2023-11-20. Review status: criteria provided, single submitter. Criteria: ACMG Guidelines, 2015. Collection method: clinical testing. Allele origin: germline. Inheritance: Autosomal recessive inheritance. Observed: 9 variant alleles, 9 heterozygotes.
Comment: This missense variant replaces alanine with aspartic acid at codon 419 of the MUTYH protein. This variant is also known as c.1214C>A (p.Ala405Lys) based on an alternative transcript (NM_001048171). Computational prediction is inconclusive regarding the impact of this variant on protein structure and function (internally defined REVEL score threshold 0.5 < inconclusive < 0.7, PMID: 27666373). To our knowledge, functional studies have not been reported for this variant. In a large international case-control study, this variant was reported in 2/60466 breast cancer cases and 4/53461 controls (PMID: 33471991). This variant has been identified in 8/282514 chromosomes in the general population by the Genome Aggregation Database (gnomAD). The available evidence is insufficient to determine the role of this variant in disease conclusively. Therefore, this variant is classified as a Variant of Uncertain Significance.

This study involves interpretation of variants in research participants for the purpose of population health screening. Participant phenotype was not available at the time of variant classification. Additional details can be found in publication PMID: 35346344, PMCID: PMC8962531

Institute for Biomarker Research, Medical Diagnostic Laboratories, L.L.C.
Classification: Uncertain significance for Hereditary cancer-predisposing syndrome. Last evaluated: 2023-08-22. Review status: criteria provided, single submitter. Criteria: ACMG Guidelines, 2015. Collection method: clinical testing. Allele origin: germline.

Blueprint Genetics
Classification: Uncertain significance. Last evaluated: 2022-12-29. Review status: criteria provided, single submitter. Criteria: ACMG Guidelines, 2015. Collection method: clinical testing. Allele origin: germline.

Ambry Genetics
Classification: Likely benign for Hereditary cancer-predisposing syndrome. Last evaluated: 2022-10-12. Review status: criteria provided, single submitter. Criteria: Ambry Variant Classification Scheme 2023. Collection method: clinical testing. Allele origin: germline.

Sema4
Classification: Uncertain significance for Hereditary cancer-predisposing syndrome. Last evaluated: 2021-12-09. Review status: criteria provided, single submitter. Criteria: Sema4 Curation Guidelines. Collection method: curation. Allele origin: germline.
Comment: The MUTYH c.1256C>A (p.A419D) variant has been reported in at least two individuals with colorectal polyps or osteosarcoma (PMID: 28644590, 26580448). This variant has also been reported in 2/60466 breast cancer cases and 4/53461 healthy controls by a large case-control study (PMID: 33471991). This variant is also known as c.1247C>A (p.A416D) in the literature. This variant was observed in 6/128978 chromosomes in the Non-Finnish European population according to the Genome Aggregation Database (PMID: 32461654). The variant has been reported in ClinVar (Variation ID: 141858). Functional studies have not been performed, and in silico predictions of the variant's effect on protein function are inconclusive. Based on the current evidence available, this variant is interpreted as a variant of uncertain significance.

Counsyl
Classification: Uncertain significance for Familial adenomatous polyposis 2. Last evaluated: 2016-06-08. Review status: no assertion criteria provided. Collection method: clinical testing. Allele origin: unknown. Not counted in ClinVar's aggregate classification.

Literature cited by the submitters: PubMed 28644590 (cited by 6 submitters); PubMed 26580448 (cited by 5 submitters); PubMed 33471991 (cited by 3 submitters); PubMed 30267214 (cited by Ambry Genetics).